The following is an entry in ClinVar:

NM_022726.4(ELOVL4):c.108T>C (p.Arg36=)

Gene: ELOVL4 (ELOVL fatty acid elongase 4; minus strand). Cytogenetic location: 6q14.1.
Variant type: single nucleotide variant.
Coding change: c.108T>C on transcript NM_022726.4 (MANE Select); coding-DNA position 108, T replaced by C.
Protein change: p.Arg36=; no amino-acid change (arginine 36 retained).
Molecular consequence: synonymous variant.
Genome position (GRCh38, 1-based): chr6:79,926,374, A>G on the plus strand (T>C on the coding strand, the complement: ELOVL4 is on the minus strand). VCF-style: chr6-79926374-A-G. GRCh37 (hg19) VCF-style: chr6-80636091-A-G.
Other names: c.108T>C (NM_022726.3).
Identifiers: ClinVar variation 1083550 (VCV001083550.12), dbSNP rs762319799, ClinGen allele CA3901610.

ClinVar aggregate classification (germline): Likely benign. Review status: criteria provided, multiple submitters, no conflicts (2 of 4 stars). 4 submissions from 4 submitters: Likely benign (4). Last evaluated 2026-08-01.

Conditions:
ELOVL4-related disorder. Also called: ELOVL4-related disorders; ELOVL4-related condition.

Allele frequency attached by ClinVar (database versions not stated): ExAC 0.00003; gnomAD exomes 0.00003; gnomAD 0.00004.
gnomAD v4.1: 51 of 1,613,654 alleles (0.0032%); highest among the groups gnomAD compares: Middle Eastern, 0.016%; no homozygotes.

Submissions (4):

CeGaT Center for Human Genetics Tuebingen
Classification: Likely benign. Last evaluated: 2026-08-01. Review status: criteria provided, single submitter. Criteria: CeGaT Center For Human Genetics Tuebingen Variant Classification Criteria Version 2. Collection method: clinical testing. Allele origin: germline. Affected: yes. Observed: 1 variant allele.
Comment: ELOVL4: BP4, BP7

Labcorp Genetics (formerly Invitae), Labcorp
Classification: Likely benign. Last evaluated: 2025-05-25. Review status: criteria provided, single submitter. Criteria: Invitae Variant Classification Sherloc (09022015). Collection method: clinical testing. Allele origin: germline.

PreventionGenetics, part of Exact Sciences
Classification: Likely benign for ELOVL4-related condition. Last evaluated: 2025-05-12. Review status: criteria provided, single submitter. Criteria: ACMG Guidelines, 2015. Collection method: clinical testing. Allele origin: germline.
Comment: This variant is classified as likely benign based on ACMG/AMP sequence variant interpretation guidelines (Richards et al. 2015 PMID: 25741868, with internal and published modifications).

Blueprint Genetics
Classification: Likely benign. Last evaluated: 2024-02-12. Review status: criteria provided, single submitter. Criteria: ACMG Guidelines, 2015. Collection method: clinical testing. Allele origin: germline.